The following is an entry in ClinVar:

NM_002485.5(NBN):c.2140del (p.Arg714fs)

Gene: NBN (nibrin; minus strand). Cytogenetic location: 8q21.3.
Variant type: Deletion.
Coding change: c.2140del on transcript NM_002485.5 (MANE Select); coding-DNA position 2140, one base deleted (C; older notation c.2140delC).
Protein change: p.Arg714fs; shifts the reading frame from arginine 714.
Molecular consequence: frameshift variant.
Genome position (GRCh38, 1-based): chr8:89,943,297, G deleted on the plus strand (C on the coding strand, the reverse complement: NBN is on the minus strand). VCF-style (leftmost placement, unchanged base first): chr8-89943296-CG-C. GRCh37 (hg19) VCF-style: chr8-90955524-CG-C.
Other names: c.1894del, p.Arg632fs (NM_001024688.3); short protein forms R714fs, R632fs.
Identifiers: ClinVar variation 839680 (VCV000839680.7), dbSNP rs1810034741, ClinGen allele CA916080400.

ClinVar aggregate classification (germline): Pathogenic (1 of 4 stars; one submission).

Conditions:
Microcephaly, normal intelligence and immunodeficiency (NBS). Also called: Microcephaly with normal intelligence immunodeficiency and lymphoreticular malignancies; Nonsyndromal microcephaly autosomal recessive with normal intelligence; Seemanova syndrome 2; Immunodeficiency, microcephaly with normal intelligence; SEEMANOVA SYNDROME II; IMMUNODEFICIENCY, MICROCEPHALY, AND CHROMOSOMAL INSTABILITY. Identifiers: Orphanet 647, MedGen C0398791, MONDO:0009623, OMIM 251260.

Submission:

Labcorp Genetics (formerly Invitae), Labcorp
Classification: Pathogenic for Microcephaly, normal intelligence and immunodeficiency. Last evaluated: 2021-10-08. Review status: criteria provided, single submitter. Criteria: Invitae Variant Classification Sherloc (09022015). Collection method: clinical testing. Allele origin: germline.
Comment: This variant has not been reported in the literature in individuals with NBN-related conditions. Loss-of-function variants in NBN are known to be pathogenic (PMID: 9590180, 16415040). For these reasons, this variant has been classified as Pathogenic. This sequence change creates a premature translational stop signal (p.Arg714Glufs*6) in the NBN gene. It is expected to result in an absent or disrupted protein product. This variant is not present in population databases (ExAC no frequency).

Literature cited by the submitters: PubMed 9590180; PubMed 16415040.